The following is an entry in ClinVar:

NM_032119.4(ADGRV1):c.11131A>T (p.Thr3711Ser)

Gene: ADGRV1 (adhesion G protein-coupled receptor V1; plus strand). Cytogenetic location: 5q14.3.
Variant type: single nucleotide variant.
Coding change: c.11131A>T on transcript NM_032119.4 (MANE Select); coding-DNA position 11131, A replaced by T.
Protein change: p.Thr3711Ser; replaces threonine 3711 with serine.
Molecular consequence: missense variant. On other transcripts: non-coding transcript variant (1).
Genome position (GRCh38, 1-based): chr5:90,753,583, A>T. VCF-style: chr5-90753583-A-T. GRCh37 (hg19) VCF-style: chr5-90049400-A-T.
Other names: c.11131A>T (NM_032119.3); short protein forms T3711S.
Identifiers: ClinVar variation 3248742 (VCV003248742.2).

ClinVar aggregate classification (germline): Uncertain significance. Review status: criteria provided, single submitter (1 of 4 stars). 2 submissions from 2 submitters: Uncertain significance (1). 1 of the submissions does not count toward it. Last evaluated 2025-03-01.

Conditions:
ADGRV1-related disorder. Also called: ADGRV1-related condition; ADGRV1-related disorders.
Retinal dystrophy. Also called: Inherited retinal dystrophy. Identifiers: Orphanet 71862, MedGen C0854723, MeSH D058499, MONDO:0019118, HP:0000556.

gnomAD v4.1: 9 of 1,595,730 alleles (0.00056%); highest among the groups gnomAD compares: Admixed American, 0.0017%; no homozygotes.

Submissions (2):

PreventionGenetics, part of Exact Sciences
Classification: Uncertain significance for ADGRV1-related condition. Last evaluated: 2025-03-01. Review status: criteria provided, single submitter. Criteria: ACMG Guidelines, 2015. Collection method: clinical testing. Allele origin: germline.
Comment: The ADGRV1 c.11131A>T variant is predicted to result in the amino acid substitution p.Thr3711Ser. To our knowledge, this variant has not been reported in the literature or in a large population database (gnomAD), indicating this variant is rare. At this time, the clinical significance of this variant is uncertain due to the absence of conclusive functional and genetic evidence.

Institute of Human Genetics, Univ. Regensburg, Univ. Regensburg
Classification: Uncertain significance for Retinal dystrophy. Last evaluated: 2022-01-01. Review status: no assertion criteria provided. Criteria: ACMG Guidelines, 2015. Collection method: clinical testing. Allele origin: germline. Affected: yes. Not counted in ClinVar's aggregate classification.